The following is an entry in ClinVar:

NM_000053.4(ATP7B):c.4309A>T (p.Lys1437Ter)

Gene: ATP7B (ATPase copper transporting beta; minus strand). Cytogenetic location: 13q14.3.
Variant type: single nucleotide variant.
Coding change: c.4309A>T on transcript NM_000053.4 (MANE Select); coding-DNA position 4309, A replaced by T.
Protein change: p.Lys1437Ter; replaces lysine 1437 with a stop codon.
Molecular consequence: nonsense.
Genome position (GRCh38, 1-based): chr13:51,934,845, T>A on the plus strand (A>T on the coding strand, the complement: ATP7B is on the minus strand). VCF-style: chr13-51934845-T-A. GRCh37 (hg19) VCF-style: chr13-52508981-T-A.
Other names: c.4165A>T, p.Lys1389Ter (NM_001406522.1, NM_001406520.1, NM_001406521.1); c.4126A>T, p.Lys1376Ter (NM_001406523.1); c.4132A>T, p.Lys1378Ter (NM_001406524.1); c.4114A>T, p.Lys1372Ter (NM_001406525.1); c.4105A>T, p.Lys1369Ter (NM_001406526.1); c.4075A>T, p.Lys1359Ter (NM_001406527.1, NM_001406528.1, NM_001330578.2); c.4069A>T, p.Lys1357Ter (NM_001406530.1); c.4057A>T, p.Lys1353Ter (NM_001406531.1, NM_001406532.1, NM_001330579.2); and 21 more; short protein forms K1007*, K1156*, K1210*, K1221*, K1230*, K1243*, K1273*, K1275*.
Identifiers: ClinVar variation 2690999 (VCV002690999.5), dbSNP rs768833241, ClinGen allele CA6988427.

ClinVar aggregate classification (germline): Conflicting classifications of pathogenicity. Review status: criteria provided, conflicting classifications (1 of 4 stars). 4 submissions from 4 submitters: Pathogenic (2); Likely pathogenic (1); Uncertain significance (1). Last evaluated 2026-01-06.

Conditions:
Wilson disease (WND). Also called: Wilson's disease. Identifiers: Orphanet 905, MedGen C0019202, MONDO:0010200, OMIM 277900. Disease mechanism: loss of function.

Allele frequency attached by ClinVar (database versions not stated): gnomAD exomes below 0.00001; gnomAD 0.00001; ExAC 0.00002.
gnomAD v4.1: 3 of 1,614,094 alleles (0.00019%); highest among the groups gnomAD compares: Non-Finnish European, 0.00017%; no homozygotes.

Submissions (4):

Labcorp Genetics (formerly Invitae), Labcorp
Classification: Pathogenic for Wilson disease. Last evaluated: 2026-01-06. Review status: criteria provided, single submitter. Criteria: Invitae Variant Classification Sherloc (09022015). Collection method: clinical testing. Allele origin: germline.
Comment: This sequence change creates a premature translational stop signal (p.Lys1437*) in the ATP7B gene. While this is not anticipated to result in nonsense mediated decay, it is expected to disrupt the last 29 amino acid(s) of the ATP7B protein. This variant is present in population databases (rs768833241, gnomAD 0.004%). This variant has not been reported in the literature in individuals affected with ATP7B-related conditions. ClinVar contains an entry for this variant (Variation ID: 2690999). This variant disrupts a region of the ATP7B protein in which other variant(s) (p.Arg1459Glyfs*2) have been determined to be pathogenic (PMID: 26799313). This suggests that this is a clinically significant region of the protein, and that variants that disrupt it are likely to be disease-causing. For these reasons, this variant has been classified as Pathogenic.

Baylor Genetics
Classification: Likely pathogenic for Wilson disease. Last evaluated: 2023-12-10. Review status: criteria provided, single submitter. Criteria: ACMG Guidelines, 2015. Collection method: clinical testing. Allele origin: unknown.

All of Us Research Program, National Institutes of Health
Classification: Uncertain significance for Wilson disease. Last evaluated: 2023-06-28. Review status: criteria provided, single submitter. Criteria: ACMG Guidelines, 2015. Collection method: clinical testing. Allele origin: germline. Inheritance: Autosomal recessive inheritance. Observed: 1 variant allele, 1 heterozygote.
Comment: This study involves interpretation of variants in research participants for the purpose of population health screening. Participant phenotype was not available at the time of variant classification. Additional details can be found in publication PMID: 35346344, PMCID: PMC8962531

Institute of Genomics, University of Tartu
Classification: Pathogenic for Wilson disease. Last evaluated: 2023-04-04. Review status: criteria provided, single submitter. Criteria: ACMG Guidelines, 2015. Collection method: research. Allele origin: germline. Affected: yes. Observed: 1 variant allele, 1 compound heterozygote.
Comment: This ATP7B c.4309A>T; p.Lys1437* (rs768833241) variant was identified in the 2020-2023 Wilson's disease genotype-first recall study at the Estonian Biobank. We classified this variant as pathogenic according to Richards et al. 2015 ACMG guidelines. Evidence: PVS1 (nonsense), PM2 (MAF 0.0000038 in GnomAD v4.0.0), PM3 (found in trans with another pathogenic variant (p.H1069Q) in our recall study), PM4 (truncated protein), PP3 (CADD 40, MutationTester D)

Literature cited by the submitters: PubMed 26799313 (cited by Labcorp Genetics (formerly Invitae), Labcorp).